The following is an entry in ClinVar:

ClinVar aggregate classification (germline): Conflicting classifications of pathogenicity. Review status: criteria provided, conflicting classifications (1 of 4 stars). 18 submissions from 14 submitters: Uncertain significance (3); Benign (6); Likely benign (8). 1 of the submissions does not count toward it. Last evaluated 2026-09-21.

Conditions:
TTN-related disorder. Also called: TTN-related disorders; TTN-related condition; TTN-related disease.
Cardiovascular phenotype. Identifiers: MedGen CN230736.
Autosomal recessive limb-girdle muscular dystrophy type 2J (LGMDR10). Also called: MUSCULAR DYSTROPHY, LIMB-GIRDLE, AUTOSOMAL RECESSIVE 10; Limb-girdle muscular dystrophy, type 2J. Identifiers: Orphanet 140922, MedGen C1837342, MONDO:0012127, OMIM 608807.
Dilated cardiomyopathy 1G (CMD1G). Identifiers: Orphanet 154, MedGen C1858763, MONDO:0011400, OMIM 604145.
Cardiomyopathy (CMYO). Also called: Cardiomyopathies. Identifiers: Orphanet 167848, MedGen C0878544, MONDO:0004994, HP:0001638. Inheritance: Various modes of inheritance.
Early-onset myopathy with fatal cardiomyopathy (CMYO5). Also called: CONGENITAL MYOPATHY 5 WITH CARDIOMYOPATHY; Salih Myopathy. Identifiers: Orphanet 289377, MedGen C2673677, MONDO:0012714, OMIM 611705. Disease mechanism: loss of function.
Myopathy, myofibrillar, 9, with early respiratory failure (MFM9). Also called: Myopathy, distal, with early respiratory failure, autosomal dominant; Hereditary myopathy with early respiratory failure; EDSTROM MYOPATHY; MYOPATHY, PROXIMAL, WITH EARLY RESPIRATORY MUSCLE INVOLVEMENT. Identifiers: Orphanet 178464, Orphanet 34521, MedGen C1863599, MONDO:0011362, OMIM 603689.
Tibial muscular dystrophy (TMD). Also called: Tibial muscular dystrophy, tardive; Udd Distal Myopathy – Tibial Muscular Dystrophy; UDD MYOPATHY. Identifiers: Orphanet 609, MedGen C1838244, MONDO:0010870, OMIM 600334.
Primary dilated cardiomyopathy (DCM). Also called: Dilated Cardiomyopathy. Identifiers: Orphanet 217604, MedGen C0007193, MeSH D002311, MONDO:0005021, HP:0001644. Inheritance: Various modes of inheritance.

Allele frequency attached by ClinVar (database versions not stated): ESP Exome Variant Server 0.00008; gnomAD exomes 0.00088 and 0.00042; gnomAD 0.00006 and 0.00025; TOPMed 0.00013; ExAC 0.00085; 1000 Genomes Project 30x 0.00172; 1000 Genomes Project 0.00200.
gnomAD v4.1: 661 of 1,613,314 alleles (0.041%); highest among the groups gnomAD compares: South Asian, 0.59%; 13 homozygotes.

Submissions (18):

Molecular Diagnostic Laboratory for Inherited Cardiovascular Disease, Montreal Heart Institute
Classification: Likely benign. Last evaluated: 2026-09-21. Review status: criteria provided, single submitter. Criteria: ACMG Guidelines, 2015. Collection method: clinical testing. Allele origin: germline. Affected: no.
Comment: BS1;BP1

CeGaT Center for Human Genetics Tuebingen
Classification: Likely benign. Last evaluated: 2026-09-01. Review status: criteria provided, single submitter. Criteria: CeGaT Center For Human Genetics Tuebingen Variant Classification Criteria Version 2. Collection method: clinical testing. Allele origin: germline. Affected: yes. Observed: 12 variant alleles.
Comment: TTN: BP4, BS2

Labcorp Genetics (formerly Invitae), Labcorp
Classification: Benign for Dilated cardiomyopathy 1G; Autosomal recessive limb-girdle muscular dystrophy type 2J. Last evaluated: 2026-01-26. Review status: criteria provided, single submitter. Criteria: Invitae Variant Classification Sherloc (09022015). Collection method: clinical testing. Allele origin: germline.

Mayo Clinic Laboratories, Mayo Clinic
Classification: Likely benign. Last evaluated: 2025-06-24. Review status: criteria provided, single submitter. Criteria: ACMG Guidelines, 2015. Collection method: clinical testing. Allele origin: germline. Observed: 1 variant allele.

Blueprint Genetics
Classification: Likely benign. Last evaluated: 2024-10-08. Review status: criteria provided, single submitter. Criteria: ACMG Guidelines, 2015. Collection method: clinical testing. Allele origin: germline.

Women's Health and Genetics/Laboratory Corporation of America, LabCorp
Classification: Likely benign. Last evaluated: 2023-04-17. Review status: criteria provided, single submitter. Criteria: LabCorp Variant Classification Summary - May 2015. Collection method: clinical testing. Allele origin: germline.

Ambry Genetics
Classification: Likely benign for Cardiovascular phenotype. Last evaluated: 2020-01-06. Review status: criteria provided, single submitter. Criteria: Ambry Variant Classification Scheme 2023. Collection method: clinical testing. Allele origin: germline.

Laboratory for Molecular Medicine, Mass General Brigham Personalized Medicine
Classification: Benign. Last evaluated: 2019-03-13. Review status: criteria provided, single submitter. Criteria: LMM Criteria. Collection method: clinical testing. Allele origin: germline. Observed: 4 variant alleles.
Comment: The p.Arg22444Trp variant in TTN is classified as benign because it has been identified in 0.6% (190/30582) of South Asian chromosomes and 5 homozygotes by gnomAD. ACMG/AMP Criteria applied: BA1.

CHEO Genetics Diagnostic Laboratory, Children's Hospital of Eastern Ontario
Classification: Benign for Cardiomyopathy. Last evaluated: 2018-03-12. Review status: criteria provided, single submitter. Criteria: ACMG Guidelines, 2015. Collection method: clinical testing. Allele origin: germline.

GeneDx
Classification: Benign. Last evaluated: 2018-03-06. Review status: criteria provided, single submitter. Criteria: GeneDx Variant Classification (06012015). Collection method: clinical testing. Allele origin: germline. Affected: yes.
Comment: This variant is considered likely benign or benign based on one or more of the following criteria: it is a conservative change, it occurs at a poorly conserved position in the protein, it is predicted to be benign by multiple in silico algorithms, and/or has population frequency not consistent with disease.

Illumina Laboratory Services, Illumina
Classification: Benign for Tibial muscular dystrophy. Last evaluated: 2018-01-12. Review status: criteria provided, single submitter. Criteria: ICSL Variant Classification Criteria 13 December 2019. Collection method: clinical testing. Allele origin: germline.
Comment: This variant was observed in the ICSL laboratory as part of a predisposition screen in an ostensibly healthy population. It had not been previously curated by ICSL or reported in the Human Gene Mutation Database (HGMD: prior to June 1st, 2018), and was therefore a candidate for classification through an automated scoring system. Utilizing variant allele frequency, disease prevalence and penetrance estimates, and inheritance mode, an automated score was calculated to assess if this variant is too frequent to cause the disease. Based on the score and internal cut-off values, a variant classified as benign is not then subjected to further curation. The score for this variant resulted in a classification of benign for this disease.

Illumina Laboratory Services, Illumina
Classification: Uncertain significance for Early-onset myopathy with fatal cardiomyopathy. Last evaluated: 2018-01-12. Review status: criteria provided, single submitter. Criteria: ICSL Variant Classification Criteria 13 December 2019. Collection method: clinical testing. Allele origin: germline.

Illumina Laboratory Services, Illumina
Classification: Uncertain significance for Dilated cardiomyopathy 1G. Last evaluated: 2018-01-12. Review status: criteria provided, single submitter. Criteria: ICSL Variant Classification Criteria 13 December 2019. Collection method: clinical testing. Allele origin: germline.

Illumina Laboratory Services, Illumina
Classification: Benign for Myopathy, myofibrillar, 9, with early respiratory failure. Last evaluated: 2018-01-12. Review status: criteria provided, single submitter. Criteria: ICSL Variant Classification Criteria 13 December 2019. Collection method: clinical testing. Allele origin: germline.
Comment: the same text as in the submission from Illumina Laboratory Services, Illumina above.

Illumina Laboratory Services, Illumina
Classification: Uncertain significance for Autosomal recessive limb-girdle muscular dystrophy type 2J. Last evaluated: 2018-01-12. Review status: criteria provided, single submitter. Criteria: ICSL Variant Classification Criteria 13 December 2019. Collection method: clinical testing. Allele origin: germline.

Eurofins Ntd Llc (ga)
Classification: Likely benign. Last evaluated: 2015-10-07. Review status: criteria provided, single submitter. Criteria: EGL Classification Definitions 2015. Collection method: clinical testing. Allele origin: germline. Observed: 1 variant allele, 1 heterozygote.

Genetics and Genomics Program, Sidra Medicine
Classification: Likely benign for Primary dilated cardiomyopathy. Review status: criteria provided, single submitter. Criteria: ACMG Guidelines, 2015. Collection method: research. Allele origin: unknown. Affected: yes. Observed: 1 variant allele.

PreventionGenetics, part of Exact Sciences
Classification: Benign for TTN-related condition. Last evaluated: 2024-04-30. Review status: no assertion criteria provided. Collection method: clinical testing. Allele origin: germline. Not counted in ClinVar's aggregate classification.
Comment: This variant is classified as benign based on ACMG/AMP sequence variant interpretation guidelines (Richards et al. 2015 PMID: 25741868, with internal and published modifications).

Literature cited by the submitters: PubMed 32746448 (cited by Mayo Clinic Laboratories, Mayo Clinic).

NM_001267550.2(TTN):c.75034C>T (p.Arg25012Trp)

Genes: TTN (titin; minus strand), TTN-AS1 (TTN antisense RNA 1; plus strand). Cytogenetic location: 2q31.2.
Variant type: single nucleotide variant.
Coding change: c.75034C>T on transcript NM_001267550.2 (MANE Select); coding-DNA position 75034, C replaced by T.
Protein change: p.Arg25012Trp; replaces arginine 25012 with tryptophan.
Molecular consequence: missense variant.
Genome position (GRCh38, 1-based): chr2:178,571,098, G>A on the plus strand (C>T on the coding strand, the complement: TTN is on the minus strand). VCF-style: chr2-178571098-G-A. GRCh37 (hg19) VCF-style: chr2-179435825-G-A.
Other names: p.R23371W:CGG>TGG; c.70111C>T, p.Arg23371Trp (NM_001256850.1); c.67330C>T, p.Arg22444Trp (NM_133378.4); c.47839C>T, p.Arg15947Trp (NM_003319.4); c.48214C>T, p.Arg16072Trp (NM_133432.3); c.48415C>T, p.Arg16139Trp (NM_133437.4); short protein forms R25012W, R22444W, R23371W, R16072W, R16139W, R15947W.
Identifiers: ClinVar variation 47335 (VCV000047335.72), dbSNP rs368914555, ClinGen allele CA140718.
Genomic context (GRCh38, chr2:178,571,098, plus strand): 5'-AGGTGGGTTTCTTCCACTGAAGAGTCACAGAATTCCTTGTGACAATGATTGCCTCTGGCC[G>A]TCCTGGTGGATCACATGGGTCACGAGCCACATAACATTCTGATACTTTACTCGGCTTGCC-3'
Protein context (NP_001254479.2, residues 25002-25022): VARDPCDPPG[Arg25012Trp]PEAIIVTRNS